The following is an entry in ClinVar:

NM_000186.4(CFH):c.2221C>T (p.Leu741Phe)

Gene: CFH (complement factor H; plus strand). Cytogenetic location: 1q31.3.
Variant type: single nucleotide variant.
Coding change: c.2221C>T on transcript NM_000186.4 (MANE Select); coding-DNA position 2221, C replaced by T.
Protein change: p.Leu741Phe; replaces leucine 741 with phenylalanine.
Molecular consequence: missense variant.
Genome position (GRCh38, 1-based): chr1:196,726,925, C>T. VCF-style: chr1-196726925-C-T. GRCh37 (hg19) VCF-style: chr1-196696055-C-T.
Other names: short protein forms L741F.
Identifiers: ClinVar variation 2065338 (VCV002065338.7), dbSNP rs780794196, ClinGen allele CA1305601.

ClinVar aggregate classification (germline): Uncertain significance. Review status: criteria provided, multiple submitters, no conflicts (2 of 4 stars). 3 submissions from 3 submitters: Uncertain significance (3). Last evaluated 2026-09-17.

Conditions:
Factor H deficiency (CFHD). Also called: CFH DEFICIENCY; COMPLEMENT FACTOR H DEFICIENCY. Identifiers: Orphanet 200421, MedGen C0398777, MONDO:0012350, OMIM 609814.
Inborn genetic diseases. Identifiers: MedGen C0950123, MeSH D030342.

Allele frequency attached by ClinVar (database versions not stated): gnomAD exomes 0.00001; ExAC 0.00002.
gnomAD v4.1: 13 of 1,613,186 alleles (0.00081%); highest among the groups gnomAD compares: East Asian, 0.025%; no homozygotes.

Submissions (3):

Genomenon, Inc
Classification: Uncertain significance for Factor H deficiency. Last evaluated: 2026-09-17. Review status: criteria provided, single submitter. Criteria: Genomenon Sequence Variant Interpretation Standards - Updated. Collection method: curation. Allele origin: germline. Affected: yes.
Comment: CFH p.Leu741Phe (c.2221C>T) is a missense variant that changes the amino acid at codon 741 from leucine to phenylalanine. This variant has been observed in at least one proband affected with complement factor H deficiency (PMID: 29566171). It is absent or not present at a significant frequency in gnomAD. In conclusion, we classify CFH p.Leu741Phe (c.2221C>T) as a variant of uncertain significance.

Labcorp Genetics (formerly Invitae), Labcorp
Classification: Uncertain significance. Last evaluated: 2026-01-05. Review status: criteria provided, single submitter. Criteria: Invitae Variant Classification Sherloc (09022015). Collection method: clinical testing. Allele origin: germline.
Comment: This sequence change replaces leucine, which is neutral and non-polar, with phenylalanine, which is neutral and non-polar, at codon 741 of the CFH protein (p.Leu741Phe). This variant is present in population databases (rs780794196, gnomAD 0.03%). This missense change has been observed in individual(s) with dense deposit disease (PMID: 29566171). ClinVar contains an entry for this variant (Variation ID: 2065338). An algorithm developed to predict the effect of missense changes on protein structure and function (PolyPhen-2) suggests that this variant is likely to be disruptive. In summary, the available evidence is currently insufficient to determine the role of this variant in disease. Therefore, it has been classified as a Variant of Uncertain Significance.

Ambry Genetics
Classification: Uncertain significance for Inborn genetic diseases. Last evaluated: 2025-05-02. Review status: criteria provided, single submitter. Criteria: Ambry Variant Classification Scheme 2023. Collection method: clinical testing. Allele origin: germline.

Literature cited by the submitters: PubMed 29566171 (cited by 3 submitters).